The following is an entry in ClinVar:

NM_000064.4(C3):c.2219G>A (p.Arg740Gln)

Gene: C3 (complement C3; minus strand). Cytogenetic location: 19p13.3.
Variant type: single nucleotide variant.
Coding change: c.2219G>A on transcript NM_000064.4 (MANE Select); coding-DNA position 2219, G replaced by A.
Protein change: p.Arg740Gln; replaces arginine 740 with glutamine.
Molecular consequence: missense variant.
Genome position (GRCh38, 1-based): chr19:6,707,102, C>T on the plus strand (G>A on the coding strand, the complement: C3 is on the minus strand). VCF-style: chr19-6707102-C-T. GRCh37 (hg19) VCF-style: chr19-6707113-C-T.
Other names: short protein forms R740Q.
Identifiers: ClinVar variation 3679941 (VCV003679941.2).

ClinVar aggregate classification (germline): Uncertain significance (1 of 4 stars; one submission).

Submission:

Labcorp Genetics (formerly Invitae), Labcorp
Classification: Uncertain significance. Last evaluated: 2024-06-10. Review status: criteria provided, single submitter. Criteria: Invitae Variant Classification Sherloc (09022015). Collection method: clinical testing. Allele origin: germline.
Comment: This sequence change replaces arginine, which is basic and polar, with glutamine, which is neutral and polar, at codon 740 of the C3 protein (p.Arg740Gln). This variant is present in population databases (rs754089376, gnomAD 0.006%). This variant has not been reported in the literature in individuals affected with C3-related conditions. Advanced modeling of protein sequence and biophysical properties (such as structural, functional, and spatial information, amino acid conservation, physicochemical variation, residue mobility, and thermodynamic stability) performed at Invitae indicates that this missense variant is not expected to disrupt C3 protein function with a negative predictive value of 80%. In summary, the available evidence is currently insufficient to determine the role of this variant in disease. Therefore, it has been classified as a Variant of Uncertain Significance.